The following is an entry in ClinVar:

NM_032043.3(BRIP1):c.3169A>G (p.Asn1057Asp)

Gene: BRIP1 (BRCA1 interacting DNA helicase 1; minus strand). Cytogenetic location: 17q23.2.
Variant type: single nucleotide variant.
Coding change: c.3169A>G on transcript NM_032043.3 (MANE Select); coding-DNA position 3169, A replaced by G.
Protein change: p.Asn1057Asp; replaces asparagine 1057 with aspartic acid.
Molecular consequence: missense variant.
Genome position (GRCh38, 1-based): chr17:61,683,877, T>C on the plus strand (A>G on the coding strand, the complement: BRIP1 is on the minus strand). VCF-style: chr17-61683877-T-C. GRCh37 (hg19) VCF-style: chr17-59761238-T-C.
Other names: c.3169A>G (NM_032043.2); short protein forms N1057D.
Identifiers: ClinVar variation 1368493 (VCV001368493.6), dbSNP rs2144085839, ClinGen allele CA400479461.

ClinVar aggregate classification (germline): Uncertain significance. Review status: criteria provided, multiple submitters, no conflicts (2 of 4 stars). 3 submissions from 3 submitters: Uncertain significance (3). Last evaluated 2024-12-14.

Conditions:
Hereditary cancer-predisposing syndrome. Also called: Hereditary neoplastic syndrome; Hereditary Cancer Syndrome; Neoplastic Syndromes, Hereditary; Tumor predisposition. Identifiers: Orphanet 140162, MedGen C0027672, MeSH D009386, MONDO:0015356.
Fanconi anemia complementation group J. Also called: BRIP1-Related Fanconi Anemia. Identifiers: Orphanet 84, MedGen C1836860, MONDO:0012187, OMIM 609054.
Familial cancer of breast. Also called: Hereditary breast cancer; BREAST CANCER, FAMILIAL; hereditary breast carcinoma. Identifiers: Orphanet 227535, MedGen C0346153, MONDO:0016419, OMIM 114480. Disease mechanism: loss of function.

Allele frequency attached by ClinVar (database versions not stated): gnomAD exomes below 0.00001.
gnomAD v4.1: 1 of 1,614,178 alleles (0.000062%); highest among the groups gnomAD compares: South Asian, 0.0011%; no homozygotes.

Submissions (3):

Ambry Genetics
Classification: Uncertain significance for Hereditary cancer-predisposing syndrome. Last evaluated: 2024-12-14. Review status: criteria provided, single submitter. Criteria: Ambry Variant Classification Scheme 2023. Collection method: clinical testing. Allele origin: germline.
Comment: The p.N1057D variant (also known as c.3169A>G), located in coding exon 19 of the BRIP1 gene, results from an A to G substitution at nucleotide position 3169. The asparagine at codon 1057 is replaced by aspartic acid, an amino acid with highly similar properties. This amino acid position is conserved. In addition, this alteration is predicted to be tolerated by in silico analysis. Based on the available evidence, the clinical significance of this variant remains unclear.

Color Diagnostics, LLC DBA Color Health
Classification: Uncertain significance for Hereditary cancer-predisposing syndrome. Last evaluated: 2024-11-13. Review status: criteria provided, single submitter. Criteria: ACMG Guidelines, 2015. Collection method: clinical testing. Allele origin: germline.
Comment: This missense variant replaces asparagine with aspartic acid at codon 1057 of the BRIP1 protein. Computational prediction suggests that this variant may not impact protein structure and function (internally defined REVEL score threshold <= 0.5, PMID: 27666373). To our knowledge, functional studies have not been reported for this variant. This variant has not been reported in individuals affected with BRIP1-related disorders in the literature. This variant has not been identified in the general population by the Genome Aggregation Database (gnomAD). The available evidence is insufficient to determine the role of this variant in disease conclusively. Therefore, this variant is classified as a Variant of Uncertain Significance.

Labcorp Genetics (formerly Invitae), Labcorp
Classification: Uncertain significance for Familial cancer of breast; Fanconi anemia complementation group J. Last evaluated: 2022-07-19. Review status: criteria provided, single submitter. Criteria: Invitae Variant Classification Sherloc (09022015). Collection method: clinical testing. Allele origin: germline.
Comment: This sequence change replaces asparagine, which is neutral and polar, with aspartic acid, which is acidic and polar, at codon 1057 of the BRIP1 protein (p.Asn1057Asp). This variant is not present in population databases (gnomAD no frequency). This variant has not been reported in the literature in individuals affected with BRIP1-related conditions. ClinVar contains an entry for this variant (Variation ID: 1368493). Algorithms developed to predict the effect of missense changes on protein structure and function output the following: SIFT: "Tolerated"; PolyPhen-2: "Benign"; Align-GVGD: "Class C0". The aspartic acid amino acid residue is found in multiple mammalian species, which suggests that this missense change does not adversely affect protein function. Algorithms developed to predict the effect of sequence changes on RNA splicing suggest that this variant may create or strengthen a splice site. In summary, the available evidence is currently insufficient to determine the role of this variant in disease. Therefore, it has been classified as a Variant of Uncertain Significance.